The following is an entry in ClinVar:

ClinVar aggregate classification (germline): Uncertain significance (1 of 4 stars; one submission).

Submission:

GeneDx
Classification: Uncertain significance. Last evaluated: 2023-07-01. Review status: criteria provided, single submitter. Criteria: GeneDx Variant Classification Process June 2021. Collection method: clinical testing. Allele origin: germline. Affected: yes.
Comment: Has not been previously published as pathogenic or benign to our knowledge; Not observed at significant frequency in large population cohorts (gnomAD); In silico analysis supports that this missense variant does not alter protein structure/function; Variants in candidate genes are classified as variants of uncertain significance in accordance with ACMG guidelines (Richards et al., 2015)

NM_001282874.2(SMARCA1):c.1101C>G (p.Asp367Glu)

Gene: SMARCA1 (SNF2 related chromatin remodeling ATPase 1; minus strand). Cytogenetic location: Xq26.1.
Variant type: single nucleotide variant.
Coding change: c.1101C>G on transcript NM_001282874.2 (MANE Select); coding-DNA position 1101, C replaced by G.
Protein change: p.Asp367Glu; replaces aspartic acid 367 with glutamic acid.
Molecular consequence: missense variant.
Genome position (GRCh38, 1-based): chrX:129,504,800, G>C on the plus strand (C>G on the coding strand, the complement: SMARCA1 is on the minus strand). VCF-style: chrX-129504800-G-C. GRCh37 (hg19) VCF-style: chrX-128638777-G-C.
Other names: c.1101C>G, p.Asp367Glu (NM_001282875.2, NM_001378261.1, NM_001378262.1 and 3 more transcripts); short protein forms D367E.
Identifiers: ClinVar variation 3899519 (VCV003899519.1).
Genomic context (GRCh38, chrX:129,504,800, plus strand): 5'-AAGTCTTTCCACGAGTTTTTGATCACCAAGACAATTTTTAGTGTCAAACCAAGAATCAAA[G>C]TCCTGTAGAGGGGTGGAAATTCTCCAATGAGTGCACAGTTTTTTTAAATATACCCGATAT-3'
Protein context (NP_001269803.1, residues 357-377): LLPDVFNSAD[Asp367Glu]FDSWFDTKNC